The following is an entry in ClinVar:

ClinVar aggregate classification (germline): Pathogenic (1 of 4 stars; one submission).

Conditions:
Autosomal recessive spinocerebellar ataxia 12. Also called: SPINOCEREBELLAR ATAXIA WITH MENTAL RETARDATION AND EPILEPSY. Identifiers: Orphanet 284282, MedGen C3280452, MONDO:0013687, OMIM 614322.
Developmental and epileptic encephalopathy, 1 (DEE1). Also called: INFANTILE SPASM SYNDROME, X-LINKED 1; X-linked infantile spasms; West's syndrome; Tonic spasms with clustering, arrest of psychomotor development and hypsarrhythmia on EEG; X-Linked Infantile Spasm Syndrome; OHTAHARA SYNDROME, X-LINKED. Identifiers: MedGen C3463992, MONDO:0010632, OMIM 308350. Disease mechanism: loss of function.

Submission:

Labcorp Genetics (formerly Invitae), Labcorp
Classification: Pathogenic for Developmental and epileptic encephalopathy, 1; Autosomal recessive spinocerebellar ataxia 12. Last evaluated: 2023-12-11. Review status: criteria provided, single submitter. Criteria: Invitae Variant Classification Sherloc (09022015). Collection method: clinical testing. Allele origin: unknown.
Comment: This variant is a gross deletion of the genomic region encompassing exon(s) 1-4 of the WWOX gene, which includes the initiator codon. This deletion extends beyond the assayed region for this gene and therefore may encompass additional genes. It is expected to result in an absent or disrupted protein product. Loss-of-function variants in WWOX are known to be pathogenic (PMID: 24456803, 25411445). This variant has not been reported in the literature in individuals affected with WWOX-related conditions. For these reasons, this variant has been classified as Pathogenic.

Literature cited by the submitters: PubMed 24456803; PubMed 25411445.

NC_000016.9:g.(?_78133676)_(78149071_?)del

Gene: WWOX (WW domain containing oxidoreductase; plus strand). Cytogenetic location: 16q23.1.
Variant type: Deletion.
Identifiers: ClinVar variation 3243513 (VCV003243513.1).